The following is an entry in ClinVar:

ClinVar aggregate classification (germline): Likely benign (1 of 4 stars; one submission).

gnomAD v4.1: 1 of 1,613,918 alleles (0.000062%); highest among the groups gnomAD compares: Non-Finnish European, 0.000085%; no homozygotes.

Submission:

Mayo Clinic Laboratories, Mayo Clinic
Classification: Likely benign. Last evaluated: 2025-10-14. Review status: criteria provided, single submitter. Criteria: ACMG Guidelines, 2015. Collection method: clinical testing. Allele origin: germline. Observed: 1 variant allele.
Comment: BP4, BP7

NM_139027.6(ADAMTS13):c.539+7G>T

Gene: ADAMTS13 (ADAM metallopeptidase with thrombospondin type 1 motif 13; plus strand). Cytogenetic location: 9q34.2.
Variant type: single nucleotide variant.
Coding change: c.539+7G>T on transcript NM_139027.6 (MANE Select); 7 bases into the intron after coding-DNA position 539, G replaced by T.
Molecular consequence: intron variant.
Genome position (GRCh38, 1-based): chr9:133,426,069, G>T. VCF-style: chr9-133426069-G-T. GRCh37 (hg19) VCF-style: chr9-136291189-G-T.
Other names: p.?; c.539+7G>T (NM_139025.5, NM_139026.6).
Identifiers: ClinVar variation 4683451 (VCV004683451.1).
Genomic context (GRCh38, chr9:133,426,069, plus strand): 5'-CCCTGAGGACGACACGGATCCTGGCCATGCTGACCTGGTCCTCTATATCACTAGGTAGCC[G>T]AGCTTTCTGATGGGTGCTGGCCAGCCAGCCTGGGAAGGCTGCTCCCTCAGCCTCCTGCCC-3'